The following is an entry in ClinVar:

NM_001042472.3(ABHD12):c.126dup (p.Thr43fs)

Genes: ABHD12 (abhydrolase domain containing 12, lysophospholipase; minus strand), LOC130065586 (ATAC-STARR-seq lymphoblastoid silent region 12752; plus strand). Cytogenetic location: 20p11.21.
Variant type: Duplication.
Coding change: c.126dup on transcript NM_001042472.3 (MANE Select); coding-DNA position 126, one base duplicated (G; older notation c.126dupG).
Protein change: p.Thr43fs; shifts the reading frame from threonine 43.
Molecular consequence: frameshift variant.
Genome position (GRCh38, 1-based): chr20:25,390,578, C duplicated on the plus strand (G on the coding strand, the reverse complement: ABHD12 is on the minus strand). VCF-style (leftmost placement, unchanged base first): chr20-25390577-T-TC. GRCh37 (hg19) VCF-style: chr20-25371213-T-TC.
Other names: c.126dup, p.Thr43fs (NM_015600.5); short protein forms T43fs.
Identifiers: ClinVar variation 2129146 (VCV002129146.5), dbSNP rs2515992645, ClinGen allele CA2580098059.

ClinVar aggregate classification (germline): Pathogenic/Likely pathogenic. Review status: criteria provided, multiple submitters, no conflicts (2 of 4 stars). 2 submissions from 2 submitters: Pathogenic (1); Likely pathogenic (1). Last evaluated 2022-09-07.

Conditions:
ABHD12-related disorder. Also called: ABHD12-related condition.

Submissions (2):

Labcorp Genetics (formerly Invitae), Labcorp
Classification: Pathogenic. Last evaluated: 2022-09-07. Review status: criteria provided, single submitter. Criteria: Invitae Variant Classification Sherloc (09022015). Collection method: clinical testing. Allele origin: germline.
Comment: For these reasons, this variant has been classified as Pathogenic. This variant has not been reported in the literature in individuals affected with ABHD12-related conditions. This variant is not present in population databases (gnomAD no frequency). This sequence change creates a premature translational stop signal (p.Thr43Aspfs*7) in the ABHD12 gene. It is expected to result in an absent or disrupted protein product. Loss-of-function variants in ABHD12 are known to be pathogenic (PMID: 20797687).

Blueprint Genetics
Classification: Likely pathogenic for ABHD12-related disorders. Last evaluated: 2019-11-26. Review status: criteria provided, single submitter. Criteria: ACMG Guidelines, 2015. Collection method: clinical testing. Allele origin: germline. Affected: yes. Observed: 1 variant allele.

Literature cited by the submitters: PubMed 20797687 (cited by Labcorp Genetics (formerly Invitae), Labcorp).